The following is an entry in ClinVar:

ClinVar aggregate classification (germline): Uncertain significance. Review status: criteria provided, multiple submitters, no conflicts (2 of 4 stars). 3 submissions from 3 submitters: Uncertain significance (3). Last evaluated 2024-06-18.

Conditions:
Familial hypokalemia-hypomagnesemia (GTLMNS). Also called: gitelman syndrome; HYPOMAGNESEMIA-HYPOKALEMIA, PRIMARY RENOTUBULAR, WITH HYPOCALCIURIA; POTASSIUM AND MAGNESIUM DEPLETION. Identifiers: Orphanet 358, MedGen C0268450, MONDO:0009904, OMIM 263800.

Allele frequency attached by ClinVar (database versions not stated): TOPMed 0.00008; gnomAD exomes 0.00010 and 0.00019; gnomAD 0.00011 and 0.00012; ExAC 0.00012; ESP Exome Variant Server 0.00023.
gnomAD v4.1: 282 of 1,613,854 alleles (0.017%); highest among the groups gnomAD compares: Non-Finnish European, 0.024%; no homozygotes.

Submissions (3):

Fulgent Genetics
Classification: Uncertain significance for Familial hypokalemia-hypomagnesemia. Last evaluated: 2024-06-18. Review status: criteria provided, single submitter. Criteria: ACMG Guidelines, 2015. Collection method: clinical testing. Allele origin: germline.

Labcorp Genetics (formerly Invitae), Labcorp
Classification: Uncertain significance. Last evaluated: 2022-07-12. Review status: criteria provided, single submitter. Criteria: Invitae Variant Classification Sherloc (09022015). Collection method: clinical testing. Allele origin: germline.
Comment: This sequence change replaces asparagine, which is neutral and polar, with tyrosine, which is neutral and polar, at codon 566 of the SLC12A3 protein (p.Asn566Tyr). This variant is present in population databases (rs142414514, gnomAD 0.02%). This variant has not been reported in the literature in individuals affected with SLC12A3-related conditions. ClinVar contains an entry for this variant (Variation ID: 319905). Algorithms developed to predict the effect of missense changes on protein structure and function are either unavailable or do not agree on the potential impact of this missense change (SIFT: "Deleterious"; PolyPhen-2: "Possibly Damaging"; Align-GVGD: "Class C0"). In summary, the available evidence is currently insufficient to determine the role of this variant in disease. Therefore, it has been classified as a Variant of Uncertain Significance.

Illumina Laboratory Services, Illumina
Classification: Uncertain significance for Familial hypokalemia-hypomagnesemia. Last evaluated: 2018-01-13. Review status: criteria provided, single submitter. Criteria: ICSL Variant Classification Criteria 13 December 2019. Collection method: clinical testing. Allele origin: germline.

NM_001126108.2(SLC12A3):c.1696A>T (p.Asn566Tyr)

Gene: SLC12A3 (solute carrier family 12 member 3; plus strand). Cytogenetic location: 16q13.
Variant type: single nucleotide variant.
Coding change: c.1696A>T on transcript NM_001126108.2 (MANE Select); coding-DNA position 1696, A replaced by T.
Protein change: p.Asn566Tyr; replaces asparagine 566 with tyrosine.
Molecular consequence: missense variant.
Genome position (GRCh38, 1-based): chr16:56,884,075, A>T. VCF-style: chr16-56884075-A-T. GRCh37 (hg19) VCF-style: chr16-56917987-A-T.
Other names: c.1696A>T, p.Asn566Tyr (NM_000339.3); c.1693A>T, p.Asn565Tyr (NM_001126107.2); short protein forms N566Y, N565Y.
Identifiers: ClinVar variation 319905 (VCV000319905.7), dbSNP rs142414514, ClinGen allele CA8069578.